The following is an entry in ClinVar:

NM_006231.4(POLE):c.4406A>G (p.Glu1469Gly)

Gene: POLE (DNA polymerase epsilon, catalytic subunit; minus strand). Cytogenetic location: 12q24.33.
Variant type: single nucleotide variant.
Coding change: c.4406A>G on transcript NM_006231.4 (MANE Select); coding-DNA position 4406, A replaced by G.
Protein change: p.Glu1469Gly; replaces glutamic acid 1469 with glycine.
Molecular consequence: missense variant.
Genome position (GRCh38, 1-based): chr12:132,643,445, T>C on the plus strand (A>G on the coding strand, the complement: POLE is on the minus strand). VCF-style: chr12-132643445-T-C. GRCh37 (hg19) VCF-style: chr12-133220031-T-C.
Other names: c.4406A>G (NM_006231.2); short protein forms E1469G.
Identifiers: ClinVar variation 2891270 (VCV002891270.4), dbSNP rs1043306224, ClinGen allele CA246304751.

ClinVar aggregate classification (germline): Uncertain significance. Review status: criteria provided, multiple submitters, no conflicts (2 of 4 stars). 2 submissions from 2 submitters: Uncertain significance (2). Last evaluated 2026-02-27.

Conditions:
Hereditary cancer-predisposing syndrome. Also called: Tumor predisposition; Neoplastic Syndromes, Hereditary; Hereditary Cancer Syndrome; Hereditary neoplastic syndrome. Identifiers: Orphanet 140162, MedGen C0027672, MeSH D009386, MONDO:0015356.

Allele frequency attached by ClinVar (database versions not stated): TOPMed below 0.00001; gnomAD 0.00001.
gnomAD v4.1: 1 of 1,614,076 alleles (0.000062%); highest among the groups gnomAD compares: Non-Finnish European, 0.000085%; no homozygotes.

Submissions (2):

Ambry Genetics
Classification: Uncertain significance for Hereditary cancer-predisposing syndrome. Last evaluated: 2026-02-27. Review status: criteria provided, single submitter. Criteria: Ambry Variant Classification Scheme 2023. Collection method: clinical testing. Allele origin: germline.
Comment: The p.E1469G variant (also known as c.4406A>G), located in coding exon 34 of the POLE gene, results from an A to G substitution at nucleotide position 4406. The glutamic acid at codon 1469 is replaced by glycine, an amino acid with similar properties. This amino acid position is highly conserved in available vertebrate species. In addition, the in silico prediction for this alteration is inconclusive. Based on the available evidence, the clinical significance of this variant remains unclear.

Labcorp Genetics (formerly Invitae), Labcorp
Classification: Uncertain significance. Last evaluated: 2023-07-26. Review status: criteria provided, single submitter. Criteria: Invitae Variant Classification Sherloc (09022015). Collection method: clinical testing. Allele origin: germline.
Comment: Advanced modeling of protein sequence and biophysical properties (such as structural, functional, and spatial information, amino acid conservation, physicochemical variation, residue mobility, and thermodynamic stability) performed at Invitae indicates that this missense variant is not expected to disrupt POLE protein function. This variant has not been reported in the literature in individuals affected with POLE-related conditions. This variant is not present in population databases (gnomAD no frequency). This sequence change replaces glutamic acid, which is acidic and polar, with glycine, which is neutral and non-polar, at codon 1469 of the POLE protein (p.Glu1469Gly). In summary, the available evidence is currently insufficient to determine the role of this variant in disease. Therefore, it has been classified as a Variant of Uncertain Significance.